The following is an entry in ClinVar:

ClinVar aggregate classification (germline): Uncertain significance (1 of 4 stars; one submission).

Conditions:
Peroxisome biogenesis disorder 2B (PBD2B). Identifiers: Orphanet 44, MedGen C3550234, MONDO:0008736, OMIM 202370.

Allele frequency attached by ClinVar (database versions not stated): gnomAD exomes below 0.00001; gnomAD 0.00001; 1000 Genomes Project 30x 0.00016; 1000 Genomes Project 0.00020.
gnomAD v4.1: 3 of 1,614,160 alleles (0.00019%); highest among the groups gnomAD compares: Admixed American, 0.0033%; no homozygotes.

Submission:

Labcorp Genetics (formerly Invitae), Labcorp
Classification: Uncertain significance for Peroxisome biogenesis disorder 2B. Last evaluated: 2024-10-16. Review status: criteria provided, single submitter. Criteria: Invitae Variant Classification Sherloc (09022015). Collection method: clinical testing. Allele origin: germline.
Comment: This sequence change replaces aspartic acid, which is acidic and polar, with glycine, which is neutral and non-polar, at codon 85 of the PEX5 protein (p.Asp85Gly). This variant is present in population databases (rs768652769, gnomAD 0.003%). This variant has not been reported in the literature in individuals affected with PEX5-related conditions. ClinVar contains an entry for this variant (Variation ID: 1515652). An algorithm developed to predict the effect of missense changes on protein structure and function (PolyPhen-2) suggests that this variant¬†is likely to be tolerated. In summary, the available evidence is currently insufficient to determine the role of this variant in disease. Therefore, it has been classified as a Variant of Uncertain Significance.

NM_001351132.2(PEX5):c.254A>G (p.Asp85Gly)

Gene: PEX5 (peroxisomal biogenesis factor 5; plus strand). Cytogenetic location: 12p13.31.
Variant type: single nucleotide variant.
Coding change: c.254A>G on transcript NM_001351132.2 (MANE Select); coding-DNA position 254, A replaced by G.
Protein change: p.Asp85Gly; replaces aspartic acid 85 with glycine.
Molecular consequence: missense variant.
Genome position (GRCh38, 1-based): chr12:7,191,296, A>G. VCF-style: chr12-7191296-A-G. GRCh37 (hg19) VCF-style: chr12-7343892-A-G.
Other names: c.254A>G, p.Asp85Gly (NM_001374646.1, NM_001374647.2, NM_001374648.2 and 19 more transcripts); c.299A>G, p.Asp100Gly (NM_001131023.2, NM_001351135.3, NM_001351138.2); short protein forms D100G, D85G.
Identifiers: ClinVar variation 1515652 (VCV001515652.7), dbSNP rs768652769, ClinGen allele CA6426073.